The following is an entry in ClinVar:

ClinVar aggregate classification (germline): Uncertain significance. Review status: criteria provided, multiple submitters, no conflicts (2 of 4 stars). 3 submissions from 3 submitters: Uncertain significance (3). Last evaluated 2024-09-19.

Conditions:
Hereditary cancer-predisposing syndrome. Also called: Neoplastic Syndromes, Hereditary; Hereditary neoplastic syndrome; Tumor predisposition; Hereditary Cancer Syndrome. Identifiers: Orphanet 140162, MedGen C0027672, MeSH D009386, MONDO:0015356.
Tuberous sclerosis 2 (TSC2). Identifiers: Orphanet 805, MedGen C1860707, MONDO:0013199, OMIM 613254.

Submissions (3):

Labcorp Genetics (formerly Invitae), Labcorp
Classification: Uncertain significance for Tuberous sclerosis 2. Last evaluated: 2024-09-19. Review status: criteria provided, single submitter. Criteria: Invitae Variant Classification Sherloc (09022015). Collection method: clinical testing. Allele origin: germline.
Comment: This sequence change replaces proline, which is neutral and non-polar, with serine, which is neutral and polar, at codon 605 of the TSC2 protein (p.Pro605Ser). This variant is not present in population databases (gnomAD no frequency). This variant has not been reported in the literature in individuals affected with TSC2-related conditions. ClinVar contains an entry for this variant (Variation ID: 841204). Invitae Evidence Modeling of protein sequence and biophysical properties (such as structural, functional, and spatial information, amino acid conservation, physicochemical variation, residue mobility, and thermodynamic stability) indicates that this missense variant is not expected to disrupt TSC2 protein function with a negative predictive value of 95%. In summary, the available evidence is currently insufficient to determine the role of this variant in disease. Therefore, it has been classified as a Variant of Uncertain Significance.

GeneDx
Classification: Uncertain significance. Last evaluated: 2023-02-02. Review status: criteria provided, single submitter. Criteria: GeneDx Variant Classification Process June 2021. Collection method: clinical testing. Allele origin: germline. Affected: yes.
Comment: Not observed at significant frequency in large population cohorts (gnomAD); In silico analysis supports that this missense variant does not alter protein structure/function; Has not been previously published as pathogenic or benign to our knowledge

Ambry Genetics
Classification: Uncertain significance for Hereditary cancer-predisposing syndrome. Last evaluated: 2022-01-08. Review status: criteria provided, single submitter. Criteria: Ambry Variant Classification Scheme 2023. Collection method: clinical testing. Allele origin: germline.
Comment: The p.P605S variant (also known as c.1813C>T), located in coding exon 16 of the TSC2 gene, results from a C to T substitution at nucleotide position 1813. The proline at codon 605 is replaced by serine, an amino acid with similar properties. This amino acid position is conserved. In addition, the in silico prediction for this alteration is inconclusive. Since supporting evidence is limited at this time, the clinical significance of this alteration remains unclear.

NM_000548.5(TSC2):c.1813C>T (p.Pro605Ser)

Gene: TSC2 (TSC complex subunit 2; plus strand). Cytogenetic location: 16p13.3.
Variant type: single nucleotide variant.
Coding change: c.1813C>T on transcript NM_000548.5 (MANE Select); coding-DNA position 1813, C replaced by T.
Protein change: p.Pro605Ser; replaces proline 605 with serine.
Molecular consequence: missense variant.
Genome position (GRCh38, 1-based): chr16:2,070,552, C>T. VCF-style: chr16-2070552-C-T. GRCh37 (hg19) VCF-style: chr16-2120553-C-T.
Other names: c.1813C>T, p.Pro605Ser (NM_001077183.3, NM_001114382.3, NM_001363528.2 and 3 more transcripts); c.1702C>T, p.Pro568Ser (NM_001318827.2); c.1666C>T, p.Pro556Ser (NM_001318829.2); c.1213C>T, p.Pro405Ser (NM_001318831.2); c.1846C>T, p.Pro616Ser (NM_001318832.2); short protein forms P405S, P556S, P568S, P616S, P605S.
Identifiers: ClinVar variation 841204 (VCV000841204.12), dbSNP rs1295352648, ClinGen allele CA394272974.